The following is an entry in ClinVar:

NM_007294.4(BRCA1):c.3590_3591dup (p.Leu1198fs)

Genes: BRCA1 (BRCA1 DNA repair associated; minus strand), LOC126862571 (BRD4-independent group 4 enhancer GRCh37_chr17:41243136-41244335; plus strand). Cytogenetic location: 17q21.31.
Variant type: Duplication.
Coding change: c.3590_3591dup on transcript NM_007294.4 (MANE Select); coding-DNA positions 3590 to 3591, 2 bases duplicated (AT; older notation c.3590_3591dupAT).
Protein change: p.Leu1198fs; shifts the reading frame from leucine 1198.
Molecular consequence: frameshift variant. On other transcripts: intron variant (135).
Genome position (GRCh38, 1-based): chr17:43,091,940-43,091,941, AT duplicated on the plus strand (AT on the coding strand, the reverse complement: BRCA1 is on the minus strand). VCF-style (leftmost placement, unchanged base first): chr17-43091939-A-AAT. GRCh37 (hg19) VCF-style: chr17-41243956-A-AAT.
Other names: c.3467_3468dup, p.Leu1157fs (NM_001407683.1, NM_001407648.1, NM_001407664.1 and 19 more transcripts); c.3464_3465dup, p.Leu1156fs (NM_001407686.1, NM_001407687.1, NM_001407688.1 and 11 more transcripts); c.3590_3591dup, p.Leu1198fs (NM_001407684.1, NM_001407581.1, NM_001407582.1 and 30 more transcripts); c.3590_3591dupAT (NM_007294.3); c.3377_3378dup, p.Leu1127fs (NM_001407571.1, NM_001407853.1, NM_001407894.1 and 9 more transcripts); c.3587_3588dup, p.Leu1197fs (NM_001407587.1, NM_001407590.1, NM_001407591.1 and 22 more transcripts); c.3581_3582dup, p.Leu1195fs (NM_001407646.1, NM_001407647.1); c.3512_3513dup, p.Leu1172fs (NM_001407653.1, NM_001407654.1, NM_001407655.1 and 4 more transcripts); and 42 more; short protein forms L1198fs, L1151fs, L1071fs, L1110fs, L1127fs, L1128fs, L1130fs, L1150fs.
Identifiers: ClinVar variation 1732988 (VCV001732988.2), dbSNP rs2552141801, ClinGen allele CA2580093816.

ClinVar aggregate classification (germline): Pathogenic (1 of 4 stars; one submission).

Conditions:
Hereditary cancer-predisposing syndrome. Also called: Neoplastic Syndromes, Hereditary; Tumor predisposition; Hereditary Cancer Syndrome; Hereditary neoplastic syndrome. Identifiers: Orphanet 140162, MedGen C0027672, MeSH D009386, MONDO:0015356.

Submission:

Ambry Genetics
Classification: Pathogenic for Hereditary cancer-predisposing syndrome. Last evaluated: 2019-04-24. Review status: criteria provided, single submitter. Criteria: Ambry Variant Classification Scheme 2023. Collection method: clinical testing. Allele origin: germline.
Comment: The c.3590_3591dupAT pathogenic mutation, located in coding exon 9 of the BRCA1 gene, results from a duplication of AT at nucleotide position 3590, causing a translational frameshift with a predicted alternate stop codon (p.L1198Ifs*13). This alteration is expected to result in loss of function by premature protein truncation or nonsense-mediated mRNA decay. As such, this alteration is interpreted as a disease-causing mutation.